The following is an entry in ClinVar:

ClinVar aggregate classification (germline): Likely benign (0 of 4 stars; one submission).

Conditions:
ITGA8-related disorder. Also called: ITGA8-related condition.

Allele frequency attached by ClinVar (database versions not stated): ExAC 0.00024; TOPMed 0.00087; gnomAD 0.00088; ESP Exome Variant Server 0.00100.
gnomAD v4.1: 221 of 1,612,792 alleles (0.014%); highest among the groups gnomAD compares: African/African-American, 0.28%; 2 homozygotes.

Submission:

PreventionGenetics, part of Exact Sciences
Classification: Likely benign for ITGA8-related condition. Last evaluated: 2019-02-21. Review status: no assertion criteria provided. Collection method: clinical testing. Allele origin: germline.
Comment: This variant is classified as likely benign based on ACMG/AMP sequence variant interpretation guidelines (Richards et al. 2015 PMID: 25741868, with internal and published modifications).

NM_003638.3(ITGA8):c.420G>C (p.Val140=)

Gene: ITGA8 (integrin subunit alpha 8; minus strand). Cytogenetic location: 10p13.
Variant type: single nucleotide variant.
Coding change: c.420G>C on transcript NM_003638.3 (MANE Select); coding-DNA position 420, G replaced by C.
Protein change: p.Val140=; no amino-acid change (valine 140 retained).
Molecular consequence: synonymous variant.
Genome position (GRCh38, 1-based): chr10:15,687,962, C>G on the plus strand (G>C on the coding strand, the complement: ITGA8 is on the minus strand). VCF-style: chr10-15687962-C-G. GRCh37 (hg19) VCF-style: chr10-15729961-C-G.
Other names: c.420G>C, p.Val140= (NM_001291494.2).
Identifiers: ClinVar variation 3039367 (VCV003039367.2), dbSNP rs146265894, ClinGen allele CA5420699.